The following is an entry in ClinVar:

NM_021999.5(ITM2B):c.403C>T (p.Pro135Ser)

Gene: ITM2B (integral membrane protein 2B; plus strand). Cytogenetic location: 13q14.2.
Variant type: single nucleotide variant.
Coding change: c.403C>T on transcript NM_021999.5 (MANE Select); coding-DNA position 403, C replaced by T.
Protein change: p.Pro135Ser; replaces proline 135 with serine.
Molecular consequence: missense variant.
Genome position (GRCh38, 1-based): chr13:48,256,333, C>T. VCF-style: chr13-48256333-C-T. GRCh37 (hg19) VCF-style: chr13-48830469-C-T.
Other names: short protein forms P135S.
Identifiers: ClinVar variation 3700869 (VCV003700869.2).

ClinVar aggregate classification (germline): Uncertain significance (1 of 4 stars; one submission).

gnomAD v4.1: 8 of 1,613,996 alleles (0.0005%); highest among the groups gnomAD compares: East Asian, 0.0022%; no homozygotes.

Submission:

Labcorp Genetics (formerly Invitae), Labcorp
Classification: Uncertain significance. Last evaluated: 2024-11-07. Review status: criteria provided, single submitter. Criteria: Invitae Variant Classification Sherloc (09022015). Collection method: clinical testing. Allele origin: germline.
Comment: This sequence change replaces proline, which is neutral and non-polar, with serine, which is neutral and polar, at codon 135 of the ITM2B protein (p.Pro135Ser). This variant is present in population databases (rs200085682, gnomAD 0.006%). This variant has not been reported in the literature in individuals affected with ITM2B-related conditions. Invitae Evidence Modeling of protein sequence and biophysical properties (such as structural, functional, and spatial information, amino acid conservation, physicochemical variation, residue mobility, and thermodynamic stability) indicates that this missense variant is not expected to disrupt ITM2B protein function with a negative predictive value of 80%. In summary, the available evidence is currently insufficient to determine the role of this variant in disease. Therefore, it has been classified as a Variant of Uncertain Significance.